The following is an entry in ClinVar:

ClinVar aggregate classification (germline): Likely pathogenic. Review status: criteria provided, single submitter (1 of 4 stars). 2 submissions from 2 submitters: Likely pathogenic (1). 1 of the submissions does not count toward it. Last evaluated 2025-04-03.

Conditions:
ABCB4-related disorder. Also called: ABCB4-related disorders; ABCB4-related condition.

Submissions (2):

Labcorp Genetics (formerly Invitae), Labcorp
Classification: Likely pathogenic. Last evaluated: 2025-04-03. Review status: criteria provided, single submitter. Criteria: Invitae Variant Classification Sherloc (09022015). Collection method: clinical testing. Allele origin: germline.
Comment: This sequence change affects a donor splice site in intron 10 of the ABCB4 gene. It is expected to disrupt RNA splicing. Variants that disrupt the donor or acceptor splice site typically lead to a loss of protein function (PMID: 16199547), and loss-of-function variants in ABCB4 are known to be pathogenic (PMID: 17726488, 25755532). This variant is not present in population databases (gnomAD no frequency). This variant has not been reported in the literature in individuals affected with ABCB4-related conditions. ClinVar contains an entry for this variant (Variation ID: 2692642). Algorithms developed to predict the effect of sequence changes on RNA splicing suggest that this variant may disrupt the consensus splice site. In summary, the currently available evidence indicates that the variant is pathogenic, but additional data are needed to prove that conclusively. Therefore, this variant has been classified as Likely Pathogenic.

PreventionGenetics, part of Exact Sciences
Classification: Likely pathogenic for ABCB4-related condition. Last evaluated: 2024-01-31. Review status: no assertion criteria provided. Collection method: clinical testing. Allele origin: germline. Not counted in ClinVar's aggregate classification.
Comment: The ABCB4 c.1119+2T>C variant is predicted to disrupt the GT donor site and interfere with normal splicing. To our knowledge, this variant has not been reported in the literature or in a large population database, indicating this variant is rare. Other splice site changes at this exon/intron boundary have been reported in individuals with familial progressive intrahepatic cholestasis (see, for example, Lipinski et al. 2020. PubMed ID: 32793533). Variants that disrupt the consensus splice donor site in ABCB4 are expected to be pathogenic. This variant is interpreted as likely pathogenic.

Literature cited by the submitters: PubMed 16199547 (cited by Labcorp Genetics (formerly Invitae), Labcorp); PubMed 17726488 (cited by Labcorp Genetics (formerly Invitae), Labcorp); PubMed 25755532 (cited by Labcorp Genetics (formerly Invitae), Labcorp).

NM_000443.4(ABCB4):c.1119+2T>C

Gene: ABCB4 (ATP binding cassette subfamily B member 4; minus strand). Cytogenetic location: 7q21.12.
Variant type: single nucleotide variant.
Coding change: c.1119+2T>C on transcript NM_000443.4 (MANE Select); the canonical splice donor site of the intron after coding-DNA position 1119, T replaced by C.
Molecular consequence: splice donor variant.
Genome position (GRCh38, 1-based): chr7:87,444,860, A>G on the plus strand (T>C on the coding strand, the complement: ABCB4 is on the minus strand). VCF-style: chr7-87444860-A-G. GRCh37 (hg19) VCF-style: chr7-87074176-A-G.
Other names: c.1119+2T>C (NM_000443.3, NM_018850.3, NM_018849.3).
Identifiers: ClinVar variation 2692642 (VCV002692642.5), dbSNP rs2546841439, ClinGen allele CA368047667.